The following is an entry in ClinVar:

ClinVar aggregate classification (germline): Uncertain significance (1 of 4 stars; one submission).

gnomAD v4.1: 1 of 1,613,458 alleles (0.000062%); highest among the groups gnomAD compares: African/African-American, 0.0013%; no homozygotes.

Submission:

GeneDx
Classification: Uncertain significance. Last evaluated: 2017-07-31. Review status: criteria provided, single submitter. Criteria: GeneDx Variant Classification (06012015). Collection method: clinical testing. Allele origin: germline. Affected: yes.
Comment: The T83K variant in the GYG1 gene has not been reported previously as a pathogenic variant, nor as a benign variant, to our knowledge. This variant is not observed in large population cohorts (Lek et al., 2016; 1000 Genomes Consortium et al., 2015; Exome Variant Server). The T83K variant is a semi-conservative amino acid substitution, which may impact secondary protein structure as these residues differ in some properties. This substitution occurs at a position that is conserved across species. In silico analysis predicts this variant is probably damaging to the protein structure/function. A missense variant at this same residue (T83M) has been reported in the compound heterozygous state with a frameshift variant in an individual with cardiac arrhythmia, muscle weakness, and glycogen depletion in skeletal muscle (Moslemi et al., 2010), supporting the functional importance of this residue of the protein. We interpret T83K as a variant of uncertain significance.

NM_004130.4(GYG1):c.248C>A (p.Thr83Lys)

Gene: GYG1 (glycogenin 1; plus strand). Cytogenetic location: 3q24.
Variant type: single nucleotide variant.
Coding change: c.248C>A on transcript NM_004130.4 (MANE Select); coding-DNA position 248, C replaced by A.
Protein change: p.Thr83Lys; replaces threonine 83 with lysine.
Molecular consequence: missense variant.
Genome position (GRCh38, 1-based): chr3:148,996,406, C>A. VCF-style: chr3-148996406-C-A. GRCh37 (hg19) VCF-style: chr3-148714193-C-A.
Other names: c.248C>A, p.Thr83Lys (NM_001184720.2, NM_001184721.2); short protein forms T83K.
Identifiers: ClinVar variation 450886 (VCV000450886.2), dbSNP rs267606858, ClinGen allele CA354911560.
Genomic context (GRCh38, chr3:148,996,406, plus strand): 5'-TCTTGGACAGTGGCGATTCTGCTCATCTAACCTTAATGAAGAGGCCAGAGTTGGGTGTCA[C>A]GCTGACAAAGCTCCACTGCTGGTCGCTTACACAGTATTCAAAATGTGTATTCATGGATGC-3'
Protein context (NP_004121.2, residues 73-93): TLMKRPELGV[Thr83Lys]LTKLHCWSLT